The following is an entry in ClinVar:

NM_206933.4(USH2A):c.2305A>G (p.Lys769Glu)

Genes: USH2A (usherin; minus strand), LOC122152296 (Sharpr-MPRA regulatory region 8762; plus strand). Cytogenetic location: 1q41.
Variant type: single nucleotide variant.
Coding change: c.2305A>G on transcript NM_206933.4 (MANE Select); coding-DNA position 2305, A replaced by G.
Protein change: p.Lys769Glu; replaces lysine 769 with glutamic acid.
Molecular consequence: missense variant.
Genome position (GRCh38, 1-based): chr1:216,247,089, T>C on the plus strand (A>G on the coding strand, the complement: USH2A is on the minus strand). VCF-style: chr1-216247089-T-C. GRCh37 (hg19) VCF-style: chr1-216420431-T-C.
Other names: c.2305A>G, p.Lys769Glu (NM_007123.6); short protein forms K769E.
Identifiers: ClinVar variation 1050986 (VCV001050986.6), dbSNP rs2102546151, ClinGen allele CA344865158.
Genomic context (GRCh38, chr1:216,247,089, plus strand): 5'-CATCTAACCCATAAAAGTTTTCTCTGCAGGTGTCACACTGAAGTCCTTTGGCTTCTTTTT[T>C]GCACTCACACTGCCCAGAGTGAGGATTGCAGAATTTGTTCACTGAGCCATGGAGGTTACA-3'
Protein context (NP_996816.3, residues 759-779): CNPHSGQCEC[Lys769Glu]KEAKGLQCDT

ClinVar aggregate classification (germline): Uncertain significance (1 of 4 stars; one submission).

Submission:

Labcorp Genetics (formerly Invitae), Labcorp
Classification: Uncertain significance. Last evaluated: 2021-08-27. Review status: criteria provided, single submitter. Criteria: Invitae Variant Classification Sherloc (09022015). Collection method: clinical testing. Allele origin: germline.
Comment: This sequence change replaces lysine with glutamic acid at codon 769 of the USH2A protein (p.Lys769Glu). The lysine residue is highly conserved and there is a small physicochemical difference between lysine and glutamic acid. This variant is not present in population databases (ExAC no frequency). This variant has not been reported in the literature in individuals affected with USH2A-related conditions. Algorithms developed to predict the effect of missense changes on protein structure and function (SIFT, PolyPhen-2, Align-GVGD) all suggest that this variant is likely to be disruptive. In summary, the available evidence is currently insufficient to determine the role of this variant in disease. Therefore, it has been classified as a Variant of Uncertain Significance.